The following is an entry in ClinVar:

NM_001370259.2(MEN1):c.1064G>A (p.Arg355Gln)

Gene: MEN1 (menin 1; minus strand). Cytogenetic location: 11q13.1.
Variant type: single nucleotide variant.
Coding change: c.1064G>A on transcript NM_001370259.2 (MANE Select); coding-DNA position 1064, G replaced by A.
Protein change: p.Arg355Gln; replaces arginine 355 with glutamine.
Molecular consequence: missense variant.
Genome position (GRCh38, 1-based): chr11:64,805,756, C>T on the plus strand (G>A on the coding strand, the complement: MEN1 is on the minus strand). VCF-style: chr11-64805756-C-T. GRCh37 (hg19) VCF-style: chr11-64573228-C-T.
Other names: c.1079G>A, p.Arg360Gln (NM_000244.4, NM_130800.3, NM_130801.3 and 3 more transcripts); c.1190G>A, p.Arg397Gln (NM_001370251.2); c.1064G>A, p.Arg355Gln (NM_001370260.2, NM_001370261.2, NM_130799.3); c.959G>A, p.Arg320Gln (NM_001370262.2, NM_001370263.2); short protein forms R355Q, R360Q, R397Q, R320Q.
Identifiers: ClinVar variation 428008 (VCV000428008.56), dbSNP rs1114167474, ClinGen allele CA381182908.

ClinVar aggregate classification (germline): Uncertain significance. Review status: criteria provided, multiple submitters, no conflicts (2 of 4 stars). 4 submissions from 4 submitters: Uncertain significance (4). Last evaluated 2025-07-06.

Conditions:
Hereditary cancer-predisposing syndrome. Also called: Hereditary neoplastic syndrome; Tumor predisposition; Hereditary Cancer Syndrome; Neoplastic Syndromes, Hereditary. Identifiers: Orphanet 140162, MedGen C0027672, MeSH D009386, MONDO:0015356.
Multiple endocrine neoplasia, type 1 (MEN1). Also called: Endocrine adenomatosis multiple; MEN 1; MEN I; WERMER SYNDROME; MEA I. Identifiers: Orphanet 652, MedGen C0025267, MeSH D018761, MONDO:0007540, OMIM 131100.

Submissions (4):

Labcorp Genetics (formerly Invitae), Labcorp
Classification: Uncertain significance for Multiple endocrine neoplasia, type 1. Last evaluated: 2025-07-06. Review status: criteria provided, single submitter. Criteria: Invitae Variant Classification Sherloc (09022015). Collection method: clinical testing. Allele origin: germline.
Comment: This sequence change replaces arginine, which is basic and polar, with glutamine, which is neutral and polar, at codon 355 of the MEN1 protein (p.Arg355Gln). This variant is not present in population databases (gnomAD no frequency). This variant has not been reported in the literature in individuals affected with MEN1-related conditions. ClinVar contains an entry for this variant (Variation ID: 428008). Invitae Evidence Modeling of protein sequence and biophysical properties (such as structural, functional, and spatial information, amino acid conservation, physicochemical variation, residue mobility, and thermodynamic stability) indicates that this missense variant is expected to disrupt MEN1 protein function with a positive predictive value of 95%. In summary, the available evidence is currently insufficient to determine the role of this variant in disease. Therefore, it has been classified as a Variant of Uncertain Significance.

Ambry Genetics
Classification: Uncertain significance for Hereditary cancer-predisposing syndrome. Last evaluated: 2025-06-11. Review status: criteria provided, single submitter. Criteria: Ambry Variant Classification Scheme 2023. Collection method: clinical testing. Allele origin: germline.
Comment: The p.R355Q variant (also known as c.1064G>A), located in coding exon 7 of the MEN1 gene, results from a G to A substitution at nucleotide position 1064. The arginine at codon 355 is replaced by glutamine, an amino acid with highly similar properties. This amino acid position is highly conserved in available vertebrate species. In addition, this alteration is predicted to be deleterious by in silico analysis. Based on the available evidence, the clinical significance of this variant remains unclear.

CeGaT Center for Human Genetics Tuebingen
Classification: Uncertain significance. Last evaluated: 2018-11-01. Review status: criteria provided, single submitter. Criteria: CeGaT Center For Human Genetics Tuebingen Variant Classification Criteria Version 2. Collection method: clinical testing. Allele origin: germline. Affected: yes. Observed: 2 variant alleles.

Blueprint Genetics
Classification: Uncertain significance. Last evaluated: 2018-06-12. Review status: criteria provided, single submitter. Criteria: ACMG Guidelines, 2015. Collection method: clinical testing. Allele origin: germline.